The following is an entry in ClinVar:

NM_176884.2(TAS2R43):c.391G>A (p.Val131Met)

Genes: PRH1 (proline rich protein HaeIII subfamily 1; minus strand), PRH1-PRR4 (PRH1-PRR4 readthrough; minus strand), PRH1-TAS2R14 (PRH1-TAS2R14 readthrough; minus strand), TAS2R43 (taste 2 receptor member 43; minus strand). Cytogenetic location: 12p13.2.
Variant type: single nucleotide variant.
Coding change: c.391G>A on transcript NM_176884.2 (MANE Select); coding-DNA position 391, G replaced by A.
Protein change: p.Val131Met; replaces valine 131 with methionine.
Molecular consequence: missense variant. On other transcripts: intron variant (3).
Genome position (GRCh38, 1-based): chr12:11,091,839, C>T on the plus strand (G>A on the coding strand, the complement: TAS2R43 is on the minus strand). VCF-style: chr12-11091839-C-T. GRCh37 (hg19) VCF-style: chr12-11244438-C-T.
Other names: c.-133-44651G>A (NM_001291315.2, NM_001316893.2); c.-294-44651G>A (NM_001291314.2); short protein forms V131M.
Identifiers: ClinVar variation 2642706 (VCV002642706.22), dbSNP rs186718859, ClinGen allele CA6451332.
Genomic context (GRCh38, chr12:11,091,839, plus strand): 5'-CATTCATGTTTATCACAAAAAGATGACAAGCCAAAAATAGCAAAGGCCCCAACAACATCA[C>T]CAGAATGACACTCTTAACTCTCCTCTTTAAGTGAAGAAAAATAAAGTTGGAGAAATTGGC-3'
Protein context (NP_795365.2, residues 121-141): LKRRVKSVIL[Val131Met]MLLGPLLFLA

ClinVar aggregate classification (germline): Likely benign (1 of 4 stars; one submission).

Allele frequency attached by ClinVar (database versions not stated): ESP Exome Variant Server 0.00499; 1000 Genomes Project 30x 0.00250; gnomAD exomes 0.00477; gnomAD 0.00502; 1000 Genomes Project 0.00399; ExAC 0.00462.
gnomAD v4.1: 7,255 of 1,476,614 alleles (0.49%); highest among the groups gnomAD compares: Middle Eastern, 3.9%; 78 homozygotes.

Submission:

CeGaT Center for Human Genetics Tuebingen
Classification: Likely benign. Last evaluated: 2025-04-01. Review status: criteria provided, single submitter. Criteria: CeGaT Center For Human Genetics Tuebingen Variant Classification Criteria Version 2. Collection method: clinical testing. Allele origin: germline. Affected: yes. Observed: 6 variant alleles.
Comment: TAS2R43: BP4, BS2